The following is an entry in ClinVar:

ClinVar aggregate classification (germline): Uncertain significance (1 of 4 stars; one submission).

gnomAD v4.1: 1 of 1,515,038 alleles (0.000066%); highest among the groups gnomAD compares: Non-Finnish European, 0.000088%; no homozygotes.

Submission:

Labcorp Genetics (formerly Invitae), Labcorp
Classification: Uncertain significance. Last evaluated: 2022-06-22. Review status: criteria provided, single submitter. Criteria: Invitae Variant Classification Sherloc (09022015). Collection method: clinical testing. Allele origin: germline.
Comment: This variant is not present in population databases (gnomAD no frequency). In summary, the available evidence is currently insufficient to determine the role of this variant in disease. Therefore, it has been classified as a Variant of Uncertain Significance. Algorithms developed to predict the effect of missense changes on protein structure and function (SIFT, PolyPhen-2, Align-GVGD) all suggest that this variant is likely to be disruptive. This variant has not been reported in the literature in individuals affected with C1QTNF5-related conditions. This sequence change replaces glycine, which is neutral and non-polar, with alanine, which is neutral and non-polar, at codon 51 of the C1QTNF5 protein (p.Gly51Ala).

NM_001278431.2(C1QTNF5):c.152G>C (p.Gly51Ala)

Genes: C1QTNF5 (C1q and TNF related 5; minus strand), MFRP (membrane frizzled-related protein; minus strand). Cytogenetic location: 11q23.3.
Variant type: single nucleotide variant.
Coding change: c.152G>C on transcript NM_001278431.2 (MANE Select); coding-DNA position 152, G replaced by C.
Protein change: p.Gly51Ala; replaces glycine 51 with alanine.
Molecular consequence: missense variant. On other transcripts: 3 prime UTR variant (1).
Genome position (GRCh38, 1-based): chr11:119,340,246, C>G on the plus strand (G>C on the coding strand, the complement: C1QTNF5 is on the minus strand). VCF-style: chr11-119340246-C-G. GRCh37 (hg19) VCF-style: chr11-119210956-C-G.
Other names: c.152G>C, p.Gly51Ala (NM_015645.5); c.*1048G>C (NM_031433.4); short protein forms G51A.
Identifiers: ClinVar variation 2009153 (VCV002009153.4), dbSNP rs1446290588, ClinGen allele CA382970514.